The following is an entry in ClinVar:

NM_144672.4(OTOA):c.268-27C>G

Gene: OTOA (otoancorin). Cytogenetic location: 16p12.2.
Variant type: single nucleotide variant.
Coding change: c.268-27C>G on transcript NM_144672.4 (MANE Select); 27 bases into the intron before coding-DNA position 268, C replaced by G.
Molecular consequence: intron variant.
Genome position (GRCh38, 1-based): chr16:21,685,203, C>G. VCF-style: chr16-21685203-C-G. GRCh37 (hg19) VCF-style: chr16-21696524-C-G.
Other names: c.31-27C>G (NM_001161683.2).
Identifiers: ClinVar variation 1197571 (VCV001197571.4), dbSNP rs183719341, ClinGen allele CA7952250.
Genomic context (GRCh38, chr16:21,685,203, plus strand): 5'-GGGCCGGGCTGGGCCGCTGGCCATGGTGCTGACCATGTGCTCCTGCTCTTTCTGTTCTCA[C>G]CGACTCTCCCAACACCCCAAATACAGGCAGCCGTGGAAAACCACCTGGAGCAGCGTCTGC-3'

ClinVar aggregate classification (germline): Conflicting classifications of pathogenicity. Review status: criteria provided, conflicting classifications (1 of 4 stars). 2 submissions from 2 submitters: Uncertain significance (1); Likely benign (1). Last evaluated 2026-05-01.

Allele frequency attached by ClinVar (database versions not stated): gnomAD exomes 0.00024; ExAC 0.00027; 1000 Genomes Project 30x 0.00078; 1000 Genomes Project 0.00100; gnomAD 0.00107 and 0.00116; ESP Exome Variant Server 0.00108; TOPMed 0.00123.
gnomAD v4.1: 316 of 1,609,168 alleles (0.02%); highest among the groups gnomAD compares: African/African-American, 0.39%; 1 homozygote.

Submissions (2):

CeGaT Center for Human Genetics Tuebingen
Classification: Uncertain significance. Last evaluated: 2026-05-01. Review status: criteria provided, single submitter. Criteria: CeGaT Center For Human Genetics Tuebingen Variant Classification Criteria Version 2. Collection method: clinical testing. Allele origin: germline. Affected: yes. Observed: 1 variant allele.
Comment: OTOA: PP3

GeneDx
Classification: Likely benign. Last evaluated: 2020-05-19. Review status: criteria provided, single submitter. Criteria: GeneDx Variant Classification Process June 2021. Collection method: clinical testing. Allele origin: germline. Affected: yes.